The following is an entry in ClinVar:

NM_032578.4(MYPN):c.3721G>A (p.Ala1241Thr)

Gene: MYPN (myopalladin; plus strand). Cytogenetic location: 10q21.3.
Variant type: single nucleotide variant.
Coding change: c.3721G>A on transcript NM_032578.4 (MANE Select); coding-DNA position 3721, G replaced by A.
Protein change: p.Ala1241Thr; replaces alanine 1241 with threonine.
Molecular consequence: missense variant. On other transcripts: non-coding transcript variant (2).
Genome position (GRCh38, 1-based): chr10:68,206,831, G>A. VCF-style: chr10-68206831-G-A. GRCh37 (hg19) VCF-style: chr10-69966588-G-A.
Other names: c.3721G>A, p.Ala1241Thr (NM_001256267.2); c.2839G>A, p.Ala947Thr (NM_001256268.2); c.3721G>A (NM_032578.2); short protein forms A1241T, A947T.
Identifiers: ClinVar variation 664509 (VCV000664509.27), dbSNP rs1340955437, ClinGen allele CA376828456.

ClinVar aggregate classification (germline): Uncertain significance. Review status: criteria provided, multiple submitters, no conflicts (2 of 4 stars). 7 submissions from 7 submitters: Uncertain significance (5). 2 of the submissions do not count toward it. Last evaluated 2025-07-09.

Conditions:
Cardiovascular phenotype. Identifiers: MedGen CN230736.
Dilated cardiomyopathy 1KK (CMD1KK). Identifiers: Orphanet 154, Orphanet 75249, MedGen C3714995, MONDO:0014100, OMIM 615248.

gnomAD v4.1: 14 of 1,614,198 alleles (0.00087%); highest among the groups gnomAD compares: Middle Eastern, 0.016%; no homozygotes.

Submissions (7):

Ambry Genetics
Classification: Uncertain significance for Cardiovascular phenotype. Last evaluated: 2025-07-09. Review status: criteria provided, single submitter. Criteria: Ambry Variant Classification Scheme 2023. Collection method: clinical testing. Allele origin: germline.
Comment: The p.A1241T variant (also known as c.3721G>A), located in coding exon 18 of the MYPN gene, results from a G to A substitution at nucleotide position 3721. The alanine at codon 1241 is replaced by threonine, an amino acid with similar properties. This amino acid position is highly conserved in available vertebrate species. In addition, the in silico prediction for this alteration is inconclusive. Based on the available evidence, the clinical significance of this variant remains unclear.

Blueprint Genetics
Classification: Uncertain significance. Last evaluated: 2024-07-05. Review status: criteria provided, single submitter. Criteria: ACMG Guidelines, 2015. Collection method: clinical testing. Allele origin: germline.

GeneDx
Classification: Uncertain significance. Last evaluated: 2024-03-21. Review status: criteria provided, single submitter. Criteria: GeneDx Variant Classification Process June 2021. Collection method: clinical testing. Allele origin: germline. Affected: yes.
Comment: Has not been previously published as pathogenic or benign to our knowledge; Not observed at significant frequency in large population cohorts (gnomAD); In silico analysis supports that this missense variant has a deleterious effect on protein structure/function

Labcorp Genetics (formerly Invitae), Labcorp
Classification: Uncertain significance for Dilated cardiomyopathy 1KK. Last evaluated: 2022-08-23. Review status: criteria provided, single submitter. Criteria: Invitae Variant Classification Sherloc (09022015). Collection method: clinical testing. Allele origin: germline.
Comment: In summary, the available evidence is currently insufficient to determine the role of this variant in disease. Therefore, it has been classified as a Variant of Uncertain Significance. Algorithms developed to predict the effect of missense changes on protein structure and function are either unavailable or do not agree on the potential impact of this missense change (SIFT: "Deleterious"; PolyPhen-2: "Probably Damaging"; Align-GVGD: "Class C0"). ClinVar contains an entry for this variant (Variation ID: 664509). This variant has not been reported in the literature in individuals affected with MYPN-related conditions. This variant is present in population databases (no rsID available, gnomAD 0.0009%). This sequence change replaces alanine, which is neutral and non-polar, with threonine, which is neutral and polar, at codon 1241 of the MYPN protein (p.Ala1241Thr).

Breakthrough Genomics
Classification: Uncertain significance. Review status: criteria provided, single submitter. Criteria: ACMG Guidelines, 2015. Collection method: not provided. Allele origin: germline. Inheritance: Autosomal recessive inheritance. Affected: yes.

Clinical Genetics DNA and cytogenetics Diagnostics Lab, Erasmus MC, Erasmus Medical Center
Classification: Uncertain significance. Review status: no assertion criteria provided. Collection method: clinical testing. Allele origin: germline. Affected: yes. Study: VKGL Data-share Consensus. Not counted in ClinVar's aggregate classification.

Diagnostic Laboratory, Department of Genetics, University Medical Center Groningen
Classification: Uncertain significance. Review status: no assertion criteria provided. Collection method: clinical testing. Allele origin: germline. Affected: yes. Study: VKGL Data-share Consensus. Not counted in ClinVar's aggregate classification.